The following is an entry in ClinVar:

NM_014639.4(SKIC3):c.3015-1G>A

Gene: SKIC3 (SKI3 subunit of superkiller complex; minus strand). Cytogenetic location: 5q15.
Variant type: single nucleotide variant.
Coding change: c.3015-1G>A on transcript NM_014639.4 (MANE Select); the canonical splice acceptor site of the intron before coding-DNA position 3015, G replaced by A.
Molecular consequence: splice acceptor variant.
Genome position (GRCh38, 1-based): chr5:95,507,012, C>T on the plus strand (G>A on the coding strand, the complement: SKIC3 is on the minus strand). VCF-style: chr5-95507012-C-T. GRCh37 (hg19) VCF-style: chr5-94842716-C-T.
Identifiers: ClinVar variation 3720636 (VCV003720636.2).

ClinVar aggregate classification (germline): Likely pathogenic (1 of 4 stars; one submission).

gnomAD v4.1: 7 of 1,604,712 alleles (0.00044%); highest among the groups gnomAD compares: Non-Finnish European, 0.00051%; no homozygotes.

Submission:

Labcorp Genetics (formerly Invitae), Labcorp
Classification: Likely pathogenic. Last evaluated: 2026-01-11. Review status: criteria provided, single submitter. Criteria: Invitae Variant Classification Sherloc (09022015). Collection method: clinical testing. Allele origin: germline.
Comment: This sequence change affects an acceptor splice site in intron 29 of the TTC37 gene. It is expected to disrupt RNA splicing. Variants that disrupt the donor or acceptor splice site typically lead to a loss of protein function (PMID: 16199547), and loss-of-function variants in TTC37 are known to be pathogenic (PMID: 20176027, 21120949). This variant is not present in population databases (gnomAD no frequency). Disruption of this splice site has been observed in individual(s) with trichohepatoenteric syndrome (PMID: 21120949). ClinVar contains an entry for this variant (Variation ID: 3720636). Algorithms developed to predict the effect of sequence changes on RNA splicing suggest that this variant may disrupt the consensus splice site. In summary, the currently available evidence indicates that the variant is pathogenic, but additional data are needed to prove that conclusively. Therefore, this variant has been classified as Likely Pathogenic.

Literature cited by the submitters: PubMed 16199547; PubMed 20176027; PubMed 21120949.